The following is an entry in ClinVar:

NM_001278116.2(L1CAM):c.400G>A (p.Gly134Ser)

Gene: L1CAM (L1 cell adhesion molecule; minus strand). Cytogenetic location: Xq28.
Variant type: single nucleotide variant.
Coding change: c.400G>A on transcript NM_001278116.2 (MANE Select); coding-DNA position 400, G replaced by A.
Protein change: p.Gly134Ser; replaces glycine 134 with serine.
Molecular consequence: missense variant.
Genome position (GRCh38, 1-based): chrX:153,872,152, C>T on the plus strand (G>A on the coding strand, the complement: L1CAM is on the minus strand). VCF-style: chrX-153872152-C-T. GRCh37 (hg19) VCF-style: chrX-153137607-C-T.
Other names: c.400G>A, p.Gly134Ser (NM_000425.5, NM_024003.3); c.385G>A, p.Gly129Ser (NM_001143963.2); short protein forms G134S, G129S.
Identifiers: ClinVar variation 449045 (VCV000449045.1), dbSNP rs1557093353, ClinGen allele CA415137340.

ClinVar aggregate classification (germline): Uncertain significance (1 of 4 stars; one submission).

Submission:

GeneDx
Classification: Uncertain significance. Last evaluated: 2017-08-15. Review status: criteria provided, single submitter. Criteria: GeneDx Variant Classification (06012015). Collection method: clinical testing. Allele origin: germline. Affected: yes.
Comment: The G134S variant has not been published as a pathogenic variant, nor has it been reported as a benign variant to our knowledge. The G134S variant is not observed in large population cohorts (Lek et al., 2016; 1000 Genomes Consortium et al., 2015; Exome Variant Server). The G134S variant is a non-conservative amino acid substitution, which is likely to impact secondary protein structure as these residues differ in polarity, charge, size and/or other properties. This substitution occurs at a position that is conserved in mammals with Serine being present at this position in multiple lower order specimens. In silico analysis predicts this variant is probably damaging to the protein structure/function. No other missense variants have been reported in the Human Gene Mutation Database in nearby residues (Stenson et al., 2014). In summary, based on the currently available information, it is unclear whether this variant is a pathogenic variant or a rare benign variant.